The following is an entry in ClinVar:

NM_138694.4(PKHD1):c.10156G>A (p.Gly3386Ser)

Gene: PKHD1 (PKHD1 ciliary IPT domain containing fibrocystin/polyductin; minus strand). Cytogenetic location: 6p12.3.
Variant type: single nucleotide variant.
Coding change: c.10156G>A on transcript NM_138694.4 (MANE Select); coding-DNA position 10156, G replaced by A.
Protein change: p.Gly3386Ser; replaces glycine 3386 with serine.
Molecular consequence: missense variant.
Genome position (GRCh38, 1-based): chr6:51,744,385, C>T on the plus strand (G>A on the coding strand, the complement: PKHD1 is on the minus strand). VCF-style: chr6-51744385-C-T. GRCh37 (hg19) VCF-style: chr6-51609183-C-T.
Other names: c.10156G>A, p.Val3386Ile (NM_170724.3); short protein forms G3386S, V3386I.
Identifiers: ClinVar variation 1806646 (VCV001806646.1), dbSNP rs2533726764, ClinGen allele CA364418027.
Genomic context (GRCh38, chr6:51,744,385, plus strand): 5'-CCAGCTCCTTCACAAGCACCCTTGCCTCTACCACAGGCATTGCATTCAGATATAGCTTAC[C>T]TGCGTTGAAGAAGGATGCAGTCCATTCTGCCTCTGTTTTAGGAAATACAGAAACTGGTGG-3'
Protein context (NP_619639.3, residues 3376-3396): AEWTASFFNA[Gly3386Ser]TFREEQKCTY

ClinVar aggregate classification (germline): Uncertain significance (1 of 4 stars; one submission).

gnomAD v4.1: 2 of 1,613,664 alleles (0.00012%); highest among the groups gnomAD compares: Non-Finnish European, 0.00017%; no homozygotes.

Submission:

GeneDx
Classification: Uncertain significance. Last evaluated: 2022-06-21. Review status: criteria provided, single submitter. Criteria: GeneDx Variant Classification Process June 2021. Collection method: clinical testing. Allele origin: germline. Affected: yes.
Comment: Not observed at significant frequency in large population cohorts (gnomAD); In silico analysis supports that this missense variant has a deleterious effect on protein structure/function; Has not been previously published as pathogenic or benign to our knowledge